The following is an entry in ClinVar:

NM_001080467.3(MYO5B):c.897G>T (p.Val299=)

Gene: MYO5B (myosin VB; minus strand). Cytogenetic location: 18q21.1.
Variant type: single nucleotide variant.
Coding change: c.897G>T on transcript NM_001080467.3 (MANE Select); coding-DNA position 897, G replaced by T.
Protein change: p.Val299=; no amino-acid change (valine 299 retained).
Molecular consequence: synonymous variant.
Genome position (GRCh38, 1-based): chr18:49,984,767, C>A on the plus strand (G>T on the coding strand, the complement: MYO5B is on the minus strand). VCF-style: chr18-49984767-C-A. GRCh37 (hg19) VCF-style: chr18-47511137-C-A.
Identifiers: ClinVar variation 327076 (VCV000327076.16), dbSNP rs7240377, ClinGen allele CA8961726.
Genomic context (GRCh38, chr18:49,984,767, plus strand): 5'-AAGCTCCTTACCGAGGAGTGTGAAGGCTTGTCGAGTCTTCTCAAAGTCCTCAGCATCGTC[C>A]ACACCCTCGATGGAAGTGTCTCCTCCCTGTGATGTATAGAAAAAGTCCTCTGCACTTGCT-3'
Protein context (NP_001073936.1, residues 289-309): SQGGDTSIEG[Val299=]DDAEDFEKTR

ClinVar aggregate classification (germline): Benign. Review status: criteria provided, multiple submitters, no conflicts (2 of 4 stars). 3 submissions from 3 submitters: Benign (3). Last evaluated 2026-01-24.

Conditions:
Congenital microvillous atrophy (DIAR2). Also called: DAVIDSON DISEASE; MICROVILLUS ATROPHY, CONGENITAL; Microvillus inclusion disease; Diarrhea 2 with microvillus atrophy, with or without cholestasis; CONGENITAL FAMILIAL PROTRACTED DIARRHEA WITH ENTEROCYTE BRUSH-BORDER ABNORMALITIES. Identifiers: Orphanet 2290, MedGen C0341306, MONDO:0009635, OMIM 251850.

Allele frequency attached by ClinVar (database versions not stated): gnomAD exomes 0.00267; ExAC 0.00345; 1000 Genomes Project 0.01118; ESP Exome Variant Server 0.01183; gnomAD 0.01220 and 0.01310; 1000 Genomes Project 30x 0.01296; TOPMed 0.01345.
gnomAD v4.1: 3,536 of 1,613,986 alleles (0.22%); highest among the groups gnomAD compares: African/African-American, 4.1%; 70 homozygotes.

Submissions (3):

Labcorp Genetics (formerly Invitae), Labcorp
Classification: Benign. Last evaluated: 2026-01-24. Review status: criteria provided, single submitter. Criteria: Invitae Variant Classification Sherloc (09022015). Collection method: clinical testing. Allele origin: germline.

Illumina Laboratory Services, Illumina
Classification: Benign for Congenital microvillous atrophy. Last evaluated: 2018-01-12. Review status: criteria provided, single submitter. Criteria: ICSL Variant Classification Criteria 13 December 2019. Collection method: clinical testing. Allele origin: germline.
Comment: This variant was observed in the ICSL laboratory as part of a predisposition screen in an ostensibly healthy population. It had not been previously curated by ICSL or reported in the Human Gene Mutation Database (HGMD: prior to June 1st, 2018), and was therefore a candidate for classification through an automated scoring system. Utilizing variant allele frequency, disease prevalence and penetrance estimates, and inheritance mode, an automated score was calculated to assess if this variant is too frequent to cause the disease. Based on the score and internal cut-off values, a variant classified as benign is not then subjected to further curation. The score for this variant resulted in a classification of benign for this disease.

Breakthrough Genomics
Classification: Benign. Review status: criteria provided, single submitter. Criteria: ACMG Guidelines, 2015. Collection method: not provided. Allele origin: germline. Inheritance: Autosomal recessive inheritance. Affected: yes.